The following is an entry in ClinVar:

NM_206933.4(USH2A):c.10849A>G (p.Asn3617Asp)

Gene: USH2A (usherin; minus strand). Cytogenetic location: 1q41.
Variant type: single nucleotide variant.
Coding change: c.10849A>G on transcript NM_206933.4 (MANE Select); coding-DNA position 10849, A replaced by G.
Protein change: p.Asn3617Asp; replaces asparagine 3617 with aspartic acid.
Molecular consequence: missense variant.
Genome position (GRCh38, 1-based): chr1:215,779,933, T>C on the plus strand (A>G on the coding strand, the complement: USH2A is on the minus strand). VCF-style: chr1-215779933-T-C. GRCh37 (hg19) VCF-style: chr1-215953275-T-C.
Other names: short protein forms N3617D.
Identifiers: ClinVar variation 936317 (VCV000936317.7), dbSNP rs777178240, ClinGen allele CA1393907.
Genomic context (GRCh38, chr1:215,779,933, plus strand): 5'-TGTCAGTGTGGATGAGACCTTTCCCAACCTGCCTGATCTGGTACTCTTTAATGACGCCGT[T>C]TGATTTCTCAGGGACACTCCAGCTCAGATGCAGAGCCACTGCACTTAGGGCTGTGATGCT-3'
Protein context (NP_996816.3, residues 3607-3627): HLSWSVPEKS[Asn3617Asp]GVIKEYQIRQ

ClinVar aggregate classification (germline): Uncertain significance. Review status: criteria provided, multiple submitters, no conflicts (2 of 4 stars). 2 submissions from 2 submitters: Uncertain significance (2). Last evaluated 2024-02-26.

Allele frequency attached by ClinVar (database versions not stated): gnomAD exomes below 0.00001 and 0.00001; ExAC 0.00001; TOPMed 0.00002; gnomAD 0.00003.
gnomAD v4.1: 9 of 1,614,032 alleles (0.00056%); highest among the groups gnomAD compares: African/African-American, 0.011%; no homozygotes.

Submissions (2):

Blueprint Genetics
Classification: Uncertain significance. Last evaluated: 2024-02-26. Review status: criteria provided, single submitter. Criteria: ACMG Guidelines, 2015. Collection method: clinical testing. Allele origin: germline.

Labcorp Genetics (formerly Invitae), Labcorp
Classification: Uncertain significance. Last evaluated: 2022-01-06. Review status: criteria provided, single submitter. Criteria: Invitae Variant Classification Sherloc (09022015). Collection method: clinical testing. Allele origin: germline.
Comment: This sequence change replaces asparagine, which is neutral and polar, with aspartic acid, which is acidic and polar, at codon 3617 of the USH2A protein (p.Asn3617Asp). This variant is present in population databases (rs777178240, gnomAD 0.02%). This variant has not been reported in the literature in individuals affected with USH2A-related conditions. ClinVar contains an entry for this variant (Variation ID: 936317). Algorithms developed to predict the effect of missense changes on protein structure and function are either unavailable or do not agree on the potential impact of this missense change (SIFT: "Tolerated"; PolyPhen-2: "Probably Damaging"; Align-GVGD: "Class C0"). In summary, the available evidence is currently insufficient to determine the role of this variant in disease. Therefore, it has been classified as a Variant of Uncertain Significance.